The following is an entry in ClinVar:

NM_031942.5(CDCA7):c.722G>A (p.Arg241His)

Gene: CDCA7 (cell division cycle associated 7; plus strand). Cytogenetic location: 2q31.1.
Variant type: single nucleotide variant.
Coding change: c.722G>A on transcript NM_031942.5 (MANE Select); coding-DNA position 722, G replaced by A.
Protein change: p.Arg241His; replaces arginine 241 with histidine.
Molecular consequence: missense variant.
Genome position (GRCh38, 1-based): chr2:173,364,817, G>A. VCF-style: chr2-173364817-G-A. GRCh37 (hg19) VCF-style: chr2-174229545-G-A.
Other names: c.485G>A, p.Arg162His (NM_145810.3); short protein forms R241H, R162H.
Identifiers: ClinVar variation 1902166 (VCV001902166.3), dbSNP rs534928780, ClinGen allele CA1971321.

ClinVar aggregate classification (germline): Uncertain significance (1 of 4 stars; one submission).

Allele frequency attached by ClinVar (database versions not stated): ExAC 0.00001; gnomAD 0.00003; 1000 Genomes Project 30x 0.00016; 1000 Genomes Project 0.00020.

Submission:

Labcorp Genetics (formerly Invitae), Labcorp
Classification: Uncertain significance. Last evaluated: 2022-02-07. Review status: criteria provided, single submitter. Criteria: Invitae Variant Classification Sherloc (09022015). Collection method: clinical testing. Allele origin: germline.
Comment: In summary, the available evidence is currently insufficient to determine the role of this variant in disease. Therefore, it has been classified as a Variant of Uncertain Significance. This sequence change replaces arginine, which is basic and polar, with histidine, which is basic and polar, at codon 241 of the CDCA7 protein (p.Arg241His). This variant is present in population databases (rs534928780, gnomAD 0.009%). This variant has not been reported in the literature in individuals affected with CDCA7-related conditions. Algorithms developed to predict the effect of missense changes on protein structure and function are either unavailable or do not agree on the potential impact of this missense change (SIFT: "Tolerated"; PolyPhen-2: "Possibly Damaging"; Align-GVGD: "Class C0").